The following is an entry in ClinVar:

ClinVar aggregate classification (germline): Benign. Review status: criteria provided, multiple submitters, no conflicts (2 of 4 stars). 2 submissions from 2 submitters: Benign (2). Last evaluated 2018-01-13.

Conditions:
Generalized pustular psoriasis. Identifiers: Orphanet 247353, MedGen C0343055, MONDO:0100491.

Allele frequency attached by ClinVar (database versions not stated): gnomAD 0.64623 and 0.65110; gnomAD exomes 0.64827; TOPMed 0.65778; 1000 Genomes Project 30x 0.71393; 1000 Genomes Project 0.71526.
gnomAD v4.1: 151,300 of 232,474 alleles (65%); highest among the groups gnomAD compares: South Asian, 81%; 50,118 homozygotes.

Submissions (2):

Illumina Laboratory Services, Illumina
Classification: Benign for Acrodermatitis continua suppurativa of Hallopeau. Last evaluated: 2018-01-13. Review status: criteria provided, single submitter. Criteria: ICSL Variant Classification Criteria 13 December 2019. Collection method: clinical testing. Allele origin: germline.
Comment: This variant was observed in the ICSL laboratory as part of a predisposition screen in an ostensibly healthy population. It had not been previously curated by ICSL or reported in the Human Gene Mutation Database (HGMD: prior to June 1st, 2018), and was therefore a candidate for classification through an automated scoring system. Utilizing variant allele frequency, disease prevalence and penetrance estimates, and inheritance mode, an automated score was calculated to assess if this variant is too frequent to cause the disease. Based on the score and internal cut-off values, a variant classified as benign is not then subjected to further curation. The score for this variant resulted in a classification of benign for this disease.

Breakthrough Genomics
Classification: Benign. Review status: criteria provided, single submitter. Criteria: ACMG Guidelines, 2015. Collection method: not provided. Allele origin: germline. Inheritance: Autosomal recessive inheritance. Affected: yes.

NM_012275.3(IL36RN):c.*478T>C

Gene: IL36RN (interleukin 36 receptor antagonist; plus strand). Cytogenetic location: 2q14.1.
Variant type: single nucleotide variant.
Coding change: c.*478T>C on transcript NM_012275.3 (MANE Select); 478 bases downstream of the stop codon, T replaced by C.
Molecular consequence: 3 prime UTR variant.
Genome position (GRCh38, 1-based): chr2:113,063,155, T>C. VCF-style: chr2-113063155-T-C. GRCh37 (hg19) VCF-style: chr2-113820732-T-C.
Other names: c.*478T>C (NM_173170.1).
Identifiers: ClinVar variation 330791 (VCV000330791.6), dbSNP rs2515403, ClinGen allele CA10611016.